The following is an entry in ClinVar:

ClinVar aggregate classification (germline): Uncertain significance. Review status: criteria provided, multiple submitters, no conflicts (2 of 4 stars). 2 submissions from 2 submitters: Uncertain significance (2). Last evaluated 2024-02-24.

Conditions:
Cardiovascular phenotype. Identifiers: MedGen CN230736.

Allele frequency attached by ClinVar (database versions not stated): gnomAD exomes below 0.00001.
gnomAD v4.1: 1 of 1,614,020 alleles (0.000062%); highest among the groups gnomAD compares: Non-Finnish European, 0.000085%; no homozygotes.

Submissions (2):

Ambry Genetics
Classification: Uncertain significance for Cardiovascular phenotype. Last evaluated: 2024-02-24. Review status: criteria provided, single submitter. Criteria: Ambry Variant Classification Scheme 2023. Collection method: clinical testing. Allele origin: germline.
Comment: The p.V3896A variant (also known as c.11687T>C), located in coding exon 44 of the ANK2 gene, results from a T to C substitution at nucleotide position 11687. The valine at codon 3896 is replaced by alanine, an amino acid with similar properties. This amino acid position is conserved. In addition, this alteration is predicted to be deleterious by in silico analysis. Based on the available evidence, the clinical significance of this alteration remains unclear.

CeGaT Center for Human Genetics Tuebingen
Classification: Uncertain significance. Last evaluated: 2022-11-01. Review status: criteria provided, single submitter. Criteria: CeGaT Center For Human Genetics Tuebingen Variant Classification Criteria Version 2. Collection method: clinical testing. Allele origin: germline. Affected: yes. Observed: 1 variant allele.
Comment: ANK2: PM2

NM_001148.6(ANK2):c.11687T>C (p.Val3896Ala)

Gene: ANK2 (ankyrin 2; plus strand). Cytogenetic location: 4q26.
Variant type: single nucleotide variant.
Coding change: c.11687T>C on transcript NM_001148.6 (MANE Select); coding-DNA position 11687, T replaced by C.
Protein change: p.Val3896Ala; replaces valine 3896 with alanine.
Molecular consequence: missense variant. On other transcripts: intron variant (1).
Genome position (GRCh38, 1-based): chr4:113,373,166, T>C. VCF-style: chr4-113373166-T-C. GRCh37 (hg19) VCF-style: chr4-114294322-T-C.
Other names: c.1925T>C, p.Val642Ala (NM_001386167.1); c.11921T>C, p.Val3974Ala (NM_001386174.1); c.11897T>C, p.Val3966Ala (NM_001386175.1); c.5417T>C, p.Val1806Ala (NM_001386186.2, NM_001386148.2); c.5297T>C, p.Val1766Ala (NM_001386187.2); c.5432T>C, p.Val1811Ala (NM_020977.5); c.5412+3361T>C (NM_001386152.1); c.5213T>C, p.Val1738Ala (NM_001386153.1, NM_001386149.1); and 44 more; short protein forms V1650A, V1683A, V1711A, V1716A, V1724A, V1733A, V1736A, V1738A.
Identifiers: ClinVar variation 2655042 (VCV002655042.25), dbSNP rs2508420663, ClinGen allele CA357943483.